The following is an entry in ClinVar:

ClinVar aggregate classification (germline): Uncertain significance (1 of 4 stars; one submission).

Allele frequency attached by ClinVar (database versions not stated): ExAC 0.00001; gnomAD 0.00001; TOPMed 0.00001.
gnomAD v4.1: 11 of 1,613,976 alleles (0.00068%); highest among the groups gnomAD compares: African/African-American, 0.0013%; no homozygotes.

Submission:

Labcorp Genetics (formerly Invitae), Labcorp
Classification: Uncertain significance. Last evaluated: 2022-05-03. Review status: criteria provided, single submitter. Criteria: Invitae Variant Classification Sherloc (09022015). Collection method: clinical testing. Allele origin: germline.
Comment: This sequence change replaces proline, which is neutral and non-polar, with threonine, which is neutral and polar, at codon 55 of the GORAB protein (p.Pro55Thr). This variant is present in population databases (rs772771053, gnomAD 0.007%). This variant has not been reported in the literature in individuals affected with GORAB-related conditions. Algorithms developed to predict the effect of missense changes on protein structure and function are either unavailable or do not agree on the potential impact of this missense change (SIFT: "Deleterious"; PolyPhen-2: "Benign"; Align-GVGD: "Class C0"). In summary, the available evidence is currently insufficient to determine the role of this variant in disease. Therefore, it has been classified as a Variant of Uncertain Significance.

NM_152281.3(GORAB):c.88C>A (p.Pro30Thr)

Gene: GORAB (golgin, RAB6 interacting; plus strand). Cytogenetic location: 1q24.2.
Variant type: single nucleotide variant.
Coding change: c.88C>A on transcript NM_152281.3 (MANE Select); coding-DNA position 88, C replaced by A.
Protein change: p.Pro30Thr; replaces proline 30 with threonine.
Molecular consequence: missense variant. On other transcripts: 5 prime UTR variant (1), non-coding transcript variant (1).
Genome position (GRCh38, 1-based): chr1:170,539,236, C>A. VCF-style: chr1-170539236-C-A. GRCh37 (hg19) VCF-style: chr1-170508377-C-A.
Other names: c.88C>A, p.Pro30Thr (NM_001146039.2); c.-378C>A (NM_001320252.2); c.37C>A, p.Pro13Thr (NM_001410894.1); short protein forms P13T, P30T.
Identifiers: ClinVar variation 1913531 (VCV001913531.2), dbSNP rs772771053, ClinGen allele CA1239037.